The following is an entry in ClinVar:

ClinVar aggregate classification (germline): Uncertain significance (1 of 4 stars; one submission).

gnomAD v4.1: 8 of 1,613,888 alleles (0.0005%); highest among the groups gnomAD compares: Non-Finnish European, 0.00068%; no homozygotes.

Submission:

Labcorp Genetics (formerly Invitae), Labcorp
Classification: Uncertain significance. Last evaluated: 2022-06-26. Review status: criteria provided, single submitter. Criteria: Invitae Variant Classification Sherloc (09022015). Collection method: clinical testing. Allele origin: germline.
Comment: In summary, the available evidence is currently insufficient to determine the role of this variant in disease. Therefore, it has been classified as a Variant of Uncertain Significance. Algorithms developed to predict the effect of missense changes on protein structure and function are either unavailable or do not agree on the potential impact of this missense change (SIFT: "Not Available"; PolyPhen-2: "Probably Damaging"; Align-GVGD: "Not Available"). This variant has not been reported in the literature in individuals affected with FBN3-related conditions. This variant is not present in population databases (gnomAD no frequency). This sequence change replaces arginine, which is basic and polar, with glycine, which is neutral and non-polar, at codon 2013 of the FBN3 protein (p.Arg2013Gly).

NM_032447.5(FBN3):c.6037C>G (p.Arg2013Gly)

Gene: FBN3 (fibrillin 3; minus strand). Cytogenetic location: 19p13.2.
Variant type: single nucleotide variant.
Coding change: c.6037C>G on transcript NM_032447.5 (MANE Select); coding-DNA position 6037, C replaced by G.
Protein change: p.Arg2013Gly; replaces arginine 2013 with glycine.
Molecular consequence: missense variant.
Genome position (GRCh38, 1-based): chr19:8,090,246, G>C on the plus strand (C>G on the coding strand, the complement: FBN3 is on the minus strand). VCF-style: chr19-8090246-G-C. GRCh37 (hg19) VCF-style: chr19-8155130-G-C.
Other names: c.6037C>G, p.Arg2013Gly (NM_001321431.2); short protein forms R2013G.
Identifiers: ClinVar variation 2133783 (VCV002133783.4), dbSNP rs183278638, ClinGen allele CA403721238.